The following is an entry in ClinVar:

NM_182746.3(MCM4):c.943G>A (p.Val315Met)

Gene: MCM4 (minichromosome maintenance complex component 4; plus strand). Cytogenetic location: 8q11.21.
Variant type: single nucleotide variant.
Coding change: c.943G>A on transcript NM_182746.3 (MANE Select); coding-DNA position 943, G replaced by A.
Protein change: p.Val315Met; replaces valine 315 with methionine.
Molecular consequence: missense variant.
Genome position (GRCh38, 1-based): chr8:47,966,297, G>A. VCF-style: chr8-47966297-G-A. GRCh37 (hg19) VCF-style: chr8-48878857-G-A.
Other names: c.943G>A, p.Val315Met (NM_005914.4); short protein forms V315M.
Identifiers: ClinVar variation 1362374 (VCV001362374.5), dbSNP rs2154505147, ClinGen allele CA371149226.

ClinVar aggregate classification (germline): Uncertain significance (1 of 4 stars; one submission).

Submission:

Labcorp Genetics (formerly Invitae), Labcorp
Classification: Uncertain significance. Last evaluated: 2021-09-24. Review status: criteria provided, single submitter. Criteria: Invitae Variant Classification Sherloc (09022015). Collection method: clinical testing. Allele origin: germline.
Comment: This sequence change replaces valine with methionine at codon 315 of the MCM4 protein (p.Val315Met). The valine residue is highly conserved and there is a small physicochemical difference between valine and methionine. This variant is not present in population databases (ExAC no frequency). This variant has not been reported in the literature in individuals with MCM4-related conditions. Algorithms developed to predict the effect of missense changes on protein structure and function are either unavailable or do not agree on the potential impact of this missense change (SIFT: "Deleterious"; PolyPhen-2: "Probably Damaging"; Align-GVGD: "Class C0"). In summary, the available evidence is currently insufficient to determine the role of this variant in disease. Therefore, it has been classified as a Variant of Uncertain Significance.